The following is an entry in ClinVar:

ClinVar aggregate classification (germline): Benign/Likely benign. Review status: criteria provided, multiple submitters, no conflicts (2 of 4 stars). 3 submissions from 3 submitters: Benign (1); Likely benign (1). 1 of the submissions does not count toward it. Last evaluated 2025-06-18.

Conditions:
EP300-related disorder. Also called: EP300-related disorders; EP300-related condition.
Rubinstein-Taybi syndrome due to EP300 haploinsufficiency. Also called: EP300-Related Rubinstein-Taybi Syndrome; RUBINSTEIN-TAYBI SYNDROME 2. Identifiers: Orphanet 353284, Orphanet 783, MedGen C3150941, MONDO:0013364, OMIM 613684.

Allele frequency attached by ClinVar (database versions not stated): TOPMed 0.00001; gnomAD 0.00003; ExAC 0.00020.
gnomAD v4.1: 124 of 1,614,116 alleles (0.0077%); highest among the groups gnomAD compares: South Asian, 0.12%; no homozygotes.

Submissions (3):

Labcorp Genetics (formerly Invitae), Labcorp
Classification: Benign for Rubinstein-Taybi syndrome due to EP300 haploinsufficiency. Last evaluated: 2025-06-18. Review status: criteria provided, single submitter. Criteria: Invitae Variant Classification Sherloc (09022015). Collection method: clinical testing. Allele origin: germline.

CeGaT Center for Human Genetics Tuebingen
Classification: Likely benign. Last evaluated: 2023-01-01. Review status: criteria provided, single submitter. Criteria: CeGaT Center For Human Genetics Tuebingen Variant Classification Criteria Version 2. Collection method: clinical testing. Allele origin: germline. Affected: yes. Observed: 1 variant allele.
Comment: EP300: BP4, BS1

PreventionGenetics, part of Exact Sciences
Classification: Likely benign for EP300-related condition. Last evaluated: 2024-02-22. Review status: no assertion criteria provided. Collection method: clinical testing. Allele origin: germline. Not counted in ClinVar's aggregate classification.
Comment: This variant is classified as likely benign based on ACMG/AMP sequence variant interpretation guidelines (Richards et al. 2015 PMID: 25741868, with internal and published modifications).

NM_001429.4(EP300):c.231A>G (p.Lys77=)

Gene: EP300 (EP300 lysine acetyltransferase; plus strand). Cytogenetic location: 22q13.2.
Variant type: single nucleotide variant.
Coding change: c.231A>G on transcript NM_001429.4 (MANE Select); coding-DNA position 231, A replaced by G.
Protein change: p.Lys77=; no amino-acid change (lysine 77 retained).
Molecular consequence: synonymous variant.
Genome position (GRCh38, 1-based): chr22:41,117,323, A>G. VCF-style: chr22-41117323-A-G. GRCh37 (hg19) VCF-style: chr22-41513327-A-G.
Other names: c.231A>G (NM_001429.3); c.231A>G, p.Lys77= (NM_001362843.2).
Identifiers: ClinVar variation 1961256 (VCV001961256.30), dbSNP rs752625922, ClinGen allele CA10252212.